The following is an entry in ClinVar:

ClinVar aggregate classification (germline): Uncertain significance (1 of 4 stars; one submission).

Conditions:
Epidermolysis bullosa simplex with nail dystrophy (EBS5D). Identifiers: MedGen C4225309, MONDO:0014661, OMIM 616487.
Epidermolysis bullosa simplex, Ogna type (EBS5A). Also called: EPIDERMOLYSIS BULLOSA SIMPLEX 5A, OGNA TYPE; Pidermolysis bullosa simplex 5A, Ogna type. Identifiers: Orphanet 79401, MedGen C0432317, MONDO:0007555, OMIM 131950.
Autosomal recessive limb-girdle muscular dystrophy type 2Q (LGMDR17). Also called: MUSCULAR DYSTROPHY, LIMB-GIRDLE, AUTOSOMAL RECESSIVE 17. Identifiers: Orphanet 254361, MedGen C3150989, MONDO:0013390, OMIM 613723.
Epidermolysis bullosa simplex 5B, with muscular dystrophy (EBS5B). Also called: EPIDERMOLYSIS BULLOSA SIMPLEX AND LIMB-GIRDLE MUSCULAR DYSTROPHY; Epidermolysis bullosa simplex with muscular dystrophy. Identifiers: Orphanet 257, MedGen C2931072, MONDO:0009181, OMIM 226670.
Epidermolysis bullosa simplex 5C, with pyloric atresia (EBS5C). Also called: PLEC1-Related Epidermolysis Bullosa with Pyloric Atresia; PLEC-Related Epidermolysis Bullosa with Pyloric Atresia; Epidermolysis bullosa simplex with pyloric atresia. Identifiers: Orphanet 158684, MedGen C2677349, MONDO:0012807, OMIM 612138.

gnomAD v4.1: 1 of 1,612,044 alleles (0.000062%); highest among the groups gnomAD compares: African/African-American, 0.0013%; no homozygotes.

Submission:

Labcorp Genetics (formerly Invitae), Labcorp
Classification: Uncertain significance for Autosomal recessive limb-girdle muscular dystrophy type 2Q; Epidermolysis bullosa simplex, Ogna type; Epidermolysis bullosa simplex with nail dystrophy; Epidermolysis bullosa simplex 5C, with pyloric atresia; Epidermolysis bullosa simplex 5B, with muscular dystrophy. Last evaluated: 2024-08-08. Review status: criteria provided, single submitter. Criteria: Invitae Variant Classification Sherloc (09022015). Collection method: clinical testing. Allele origin: germline.
Comment: This sequence change falls in intron 12 of the PLEC gene. It does not directly change the encoded amino acid sequence of the PLEC protein. It affects a nucleotide within the consensus splice site. This variant is present in population databases (no rsID available, gnomAD 0.007%). This variant has not been reported in the literature in individuals affected with PLEC-related conditions. Variants that disrupt the consensus splice site are a relatively common cause of aberrant splicing (PMID: 17576681, 9536098). Algorithms developed to predict the effect of sequence changes on RNA splicing suggest that this variant is not likely to affect RNA splicing. In summary, the available evidence is currently insufficient to determine the role of this variant in disease. Therefore, it has been classified as a Variant of Uncertain Significance.

Literature cited by the submitters: PubMed 17576681; PubMed 9536098.

NM_201384.3(PLEC):c.1169+3G>A

Gene: PLEC (plectin; minus strand). Cytogenetic location: 8q24.3.
Variant type: single nucleotide variant.
Coding change: c.1169+3G>A on transcript NM_201384.3 (MANE Select); 3 bases into the intron after coding-DNA position 1169, G replaced by A.
Molecular consequence: intron variant.
Genome position (GRCh38, 1-based): chr8:143,934,315, C>T on the plus strand (G>A on the coding strand, the complement: PLEC is on the minus strand). VCF-style: chr8-143934315-C-T. GRCh37 (hg19) VCF-style: chr8-145008483-C-T.
Other names: c.1250+3G>A (NM_001410941.1, NM_000445.5); c.1127+3G>A (NM_201378.4); c.1103+3G>A (NM_201379.3); c.1580+3G>A (NM_201380.4); c.1073+3G>A (NM_201381.3); c.1169+3G>A (NM_201382.4); c.1181+3G>A (NM_201383.3).
Identifiers: ClinVar variation 3762847 (VCV003762847.2).